The following is an entry in ClinVar:

NM_032043.3(BRIP1):c.2820del (p.Ile941fs)

Gene: BRIP1 (BRCA1 interacting DNA helicase 1; minus strand). Cytogenetic location: 17q23.2.
Variant type: Deletion.
Coding change: c.2820del on transcript NM_032043.3 (MANE Select); coding-DNA position 2820, one base deleted (G; older notation c.2820delG).
Protein change: p.Ile941fs; shifts the reading frame from isoleucine 941.
Molecular consequence: frameshift variant.
Genome position (GRCh38, 1-based): chr17:61,685,921, C deleted on the plus strand (G on the coding strand, the reverse complement: BRIP1 is on the minus strand). VCF-style (leftmost placement, unchanged base first): chr17-61685920-TC-T. GRCh37 (hg19) VCF-style: chr17-59763281-TC-T.
Other names: short protein forms I941fs.
Identifiers: ClinVar variation 3261815 (VCV003261815.2).

ClinVar aggregate classification (germline): Uncertain significance (1 of 4 stars; one submission).

Conditions:
Hereditary cancer-predisposing syndrome. Also called: Hereditary Cancer Syndrome; Tumor predisposition; Hereditary neoplastic syndrome; Neoplastic Syndromes, Hereditary. Identifiers: Orphanet 140162, MedGen C0027672, MeSH D009386, MONDO:0015356.

Submission:

Ambry Genetics
Classification: Uncertain significance for Hereditary cancer-predisposing syndrome. Last evaluated: 2025-04-30. Review status: criteria provided, single submitter. Criteria: Ambry Variant Classification Scheme 2023. Collection method: clinical testing. Allele origin: germline.
Comment: The c.2820delG variant, located in coding exon 18 of the BRIP1 gene, results from a deletion of one nucleotide at nucleotide position 2820, causing a translational frameshift with a predicted alternate stop codon (p.I941Yfs*44). This alteration occurs at the 3' terminus of theBRIP1 gene, is not expected to trigger nonsense-mediated mRNA decay, and impacts the last 309 amino acids of the protein. The exact functional impact of these removed amino acids is unknown. While the C-terminal region of the BRIP1 protein has been shown by structural, biochemical, and mutational analysis to be relevant for some aspects of BRIP1 protein function (Gong Z et al. Mol. Cell, 2010 Feb;37:438-46; Leung CC et al. J. Biol. Chem. 2011 Feb; 286(6):4292-301; Xie J et al. PLoS Genet. 2012 Jul; 8(7):e1002786), functional studies have shown that truncations in the 3' terminus of BRIP1 display normal function in response to intra-strand cross-linking agents (Calvo JA et al. Mol Cancer Res, 2021 Jun;19:1015-1025). Based on the available evidence, the clinical significance of this variant remains unclear.